The following is an entry in ClinVar:

NM_001709.5(BDNF):c.112C>T (p.Arg38Trp)

Genes: BDNF (brain derived neurotrophic factor; minus strand), BDNF-AS (BDNF antisense RNA; plus strand). Cytogenetic location: 11p14.1.
Variant type: single nucleotide variant.
Coding change: c.112C>T on transcript NM_001709.5 (MANE Select); coding-DNA position 112, C replaced by T.
Protein change: p.Arg38Trp; replaces arginine 38 with tryptophan.
Molecular consequence: missense variant. On other transcripts: non-coding transcript variant (5).
Genome position (GRCh38, 1-based): chr11:27,658,453, G>A on the plus strand (C>T on the coding strand, the complement: BDNF is on the minus strand). VCF-style: chr11-27658453-G-A. GRCh37 (hg19) VCF-style: chr11-27680000-G-A.
Other names: c.112C>T, p.Arg38Trp (NM_001143805.1, NM_001143806.1, NM_001143807.2 and 9 more transcripts); c.199C>T, p.Arg67Trp (NM_001143809.2); c.358C>T, p.Arg120Trp (NM_001143810.2); c.136C>T, p.Arg46Trp (NM_170731.5); c.157C>T, p.Arg53Trp (NM_170734.4); short protein forms R46W, R38W, R53W, R120W, R67W.
Identifiers: ClinVar variation 4980651 (VCV004980651.1).

ClinVar aggregate classification (germline): Uncertain significance (1 of 4 stars; one submission).

Conditions:
BDNF-related disorder. Also called: BDNF-related condition.

Submission:

PreventionGenetics, part of Exact Sciences
Classification: Uncertain significance for BDNF-related condition. Last evaluated: 2025-05-30. Review status: criteria provided, single submitter. Criteria: ACMG Guidelines, 2015. Collection method: clinical testing. Allele origin: germline.
Comment: The BDNF c.358C>T variant is predicted to result in the amino acid substitution p.Arg120Trp. To our knowledge, this variant has not been reported in the literature. This variant is reported in 0.0097% of alleles in individuals of Ashkenazi Jewish descent in gnomAD. At this time, the clinical significance of this variant is uncertain due to the absence of conclusive functional and genetic evidence.